The following is an entry in ClinVar:

ClinVar aggregate classification (germline): Uncertain significance (1 of 4 stars; one submission).

Conditions:
Primary dilated cardiomyopathy (DCM). Also called: Dilated Cardiomyopathy. Identifiers: Orphanet 217604, MedGen C0007193, MeSH D002311, MONDO:0005021, HP:0001644. Inheritance: Various modes of inheritance.

Allele frequency attached by ClinVar (database versions not stated): gnomAD 0.00001.
gnomAD v4.1: 5 of 1,570,446 alleles (0.00032%); highest among the groups gnomAD compares: South Asian, 0.0011%; no homozygotes.

Submission:

Labcorp Genetics (formerly Invitae), Labcorp
Classification: Uncertain significance for Primary dilated cardiomyopathy. Last evaluated: 2022-02-24. Review status: criteria provided, single submitter. Criteria: Invitae Variant Classification Sherloc (09022015). Collection method: clinical testing. Allele origin: germline.
Comment: This sequence change replaces serine, which is neutral and polar, with arginine, which is basic and polar, at codon 591 of the NEBL protein (p.Ser591Arg). In summary, the available evidence is currently insufficient to determine the role of this variant in disease. Therefore, it has been classified as a Variant of Uncertain Significance. Algorithms developed to predict the effect of missense changes on protein structure and function are either unavailable or do not agree on the potential impact of this missense change (SIFT: "Deleterious"; PolyPhen-2: "Probably Damaging"; Align-GVGD: "Class C0"). ClinVar contains an entry for this variant (Variation ID: 856545). This variant has not been reported in the literature in individuals affected with NEBL-related conditions. This variant is present in population databases (no rsID available, gnomAD 0.005%).

NM_006393.3(NEBL):c.1773T>G (p.Ser591Arg)

Gene: NEBL (nebulette; minus strand). Cytogenetic location: 10p12.31.
Variant type: single nucleotide variant.
Coding change: c.1773T>G on transcript NM_006393.3 (MANE Select); coding-DNA position 1773, T replaced by G.
Protein change: p.Ser591Arg; replaces serine 591 with arginine.
Molecular consequence: missense variant. On other transcripts: intron variant (9).
Genome position (GRCh38, 1-based): chr10:20,828,533, A>C on the plus strand (T>G on the coding strand, the complement: NEBL is on the minus strand). VCF-style: chr10-20828533-A-C. GRCh37 (hg19) VCF-style: chr10-21117462-A-C.
Other names: c.250-15593T>G (NM_001377326.1, NM_001377327.1, NM_001377328.1); c.358-15593T>G (NM_213569.2, NM_001173484.2, NM_001377322.1); c.301-15593T>G (NM_001377324.1); c.292-15593T>G (NM_001377325.1); c.310-15593T>G (NM_001377323.1); short protein forms S591R.
Identifiers: ClinVar variation 856545 (VCV000856545.10), dbSNP rs1206155356, ClinGen allele CA376096446.
Genomic context (GRCh38, chr10:20,828,533, plus strand): 5'-ATTTCTTACAAAACAAAATTTCAAGGTGGCAACTTAAAAGAAGTAATGGCTACTCACCGC[A>C]CTAATGTTTTGTTGAGTTGTCTTAATTCTCTGAATTTCAGGAGTATCTGCTATGGTAGAA-3'
Protein context (NP_006384.1, residues 581-601): QRIKTTQQNI[Ser591Arg]AVFYKKEVGA